The following is an entry in ClinVar:

ClinVar aggregate classification (germline): Conflicting classifications of pathogenicity. Review status: criteria provided, conflicting classifications (1 of 4 stars). 7 submissions from 7 submitters: Uncertain significance (1); Likely benign (5). 1 of the submissions does not count toward it. Last evaluated 2026-03-01.

Conditions:
Inborn genetic diseases. Identifiers: MedGen C0950123, MeSH D030342.
Charcot-Marie-Tooth disease. Also called: Charcot-Marie-Tooth Hereditary Neuropathy; Charcot-Marie-Tooth Neuropathy. Identifiers: Orphanet 166, MedGen C0007959, MONDO:0015626.
Giant axonal neuropathy 1 (GAN1). Also called: GIANT AXONAL NEUROPATHY 1, AUTOSOMAL RECESSIVE; GAN-Related Neurodegeneration. Identifiers: Orphanet 643, MedGen C1850386, MONDO:0009749, OMIM 256850.

Allele frequency attached by ClinVar (database versions not stated): 1000 Genomes Project 30x 0.00031; ESP Exome Variant Server 0.00038; gnomAD 0.00051 and 0.00054; ExAC 0.00063; gnomAD exomes 0.00085 and 0.00058; 1000 Genomes Project 0.00020; TOPMed 0.00056.

Submissions (7):

CeGaT Center for Human Genetics Tuebingen
Classification: Likely benign. Last evaluated: 2026-03-01. Review status: criteria provided, single submitter. Criteria: CeGaT Center For Human Genetics Tuebingen Variant Classification Criteria Version 2. Collection method: clinical testing. Allele origin: germline. Affected: yes. Observed: 2 variant alleles.
Comment: GAN: BP4

Labcorp Genetics (formerly Invitae), Labcorp
Classification: Likely benign for Giant axonal neuropathy 1. Last evaluated: 2026-01-26. Review status: criteria provided, single submitter. Criteria: Invitae Variant Classification Sherloc (09022015). Collection method: clinical testing. Allele origin: germline.

Women's Health and Genetics/Laboratory Corporation of America, LabCorp
Classification: Likely benign. Last evaluated: 2025-11-03. Review status: criteria provided, single submitter. Criteria: LabCorp Variant Classification Summary - May 2015. Collection method: clinical testing. Allele origin: germline.
Comment: Variant summary: GAN c.730A>G (p.Ile244Val) results in a conservative amino acid change in the encoded protein sequence. Algorithms developed to predict the effect of missense changes on protein structure and function are either unavailable or do not agree on the potential impact of this missense change. The variant allele was found at a frequency of 0.00081 in 1606916 control chromosomes in the gnomAD database, including 4 homozygotes. To our knowledge, no occurrence of c.730A>G in individuals affected with GAN-related conditions and no experimental evidence demonstrating its impact on protein function have been reported. The following publication have been ascertained in the context of this evaluation (PMID: 25025039). ClinVar contains an entry for this variant (Variation ID: 157527). Based on the evidence outlined above, the variant was classified as likely benign.

GeneDx
Classification: Likely benign. Last evaluated: 2024-01-16. Review status: criteria provided, single submitter. Criteria: GeneDx Variant Classification Process June 2021. Collection method: clinical testing. Allele origin: germline. Affected: yes.
Comment: See Variant Classification Assertion Criteria.

Ambry Genetics
Classification: Likely benign for Inborn genetic diseases. Last evaluated: 2024-01-02. Review status: criteria provided, single submitter. Criteria: Ambry Variant Classification Scheme 2023. Collection method: clinical testing. Allele origin: germline.

Illumina Laboratory Services, Illumina
Classification: Uncertain significance for Giant axonal neuropathy 1. Last evaluated: 2018-01-13. Review status: criteria provided, single submitter. Criteria: ICSL Variant Classification Criteria 13 December 2019. Collection method: clinical testing. Allele origin: germline.

Dept. of Medical Genetics, Telemark Hospital Trust, Telemark Hospital Trust
Classification: Uncertain significance for Charcot-Marie-Tooth disease. Last evaluated: 2013-11-01. Review status: no assertion criteria provided. Collection method: research. Allele origin: unknown. Affected: yes. Study: Charcot-Marie-Tooth disease study. Not counted in ClinVar's aggregate classification.
Comment: Populational based study of Charcot-Marie-Tooth disease in Norway

Literature cited by the submitters: PubMed 25025039 (cited by 3 submitters); PMC 4306395 (cited by Dept. of Medical Genetics, Telemark Hospital Trust, Telemark Hospital Trust).

NM_022041.4(GAN):c.730A>G (p.Ile244Val)

Gene: GAN (gigaxonin; plus strand). Cytogenetic location: 16q23.2.
Variant type: single nucleotide variant.
Coding change: c.730A>G on transcript NM_022041.4 (MANE Select); coding-DNA position 730, A replaced by G.
Protein change: p.Ile244Val; replaces isoleucine 244 with valine.
Molecular consequence: missense variant.
Genome position (GRCh38, 1-based): chr16:81,356,881, A>G. VCF-style: chr16-81356881-A-G. GRCh37 (hg19) VCF-style: chr16-81390486-A-G.
Other names: c.91A>G, p.Ile31Val (NM_001377486.1); short protein forms I244V, I31V.
Identifiers: ClinVar variation 157527 (VCV000157527.62), dbSNP rs200749953, ClinGen allele CA270932.
Genomic context (GRCh38, chr16:81,356,881, plus strand): 5'-TCAGGGTTGGACTCCAGTTATTTACGGGAACAGATGCTGAATGAACCATTAGTACGAGAA[A>G]TTGTCAAAGAGTGTAGCAATATACCGCTCAGCCAGCCGCAGCAAGGGGAGGCGATGCTGG-3'
Protein context (NP_071324.1, residues 234-254): QMLNEPLVRE[Ile244Val]VKECSNIPLS